The following is an entry in ClinVar:

NM_001128225.3(SLC39A13):c.284C>T (p.Thr95Ile)

Gene: SLC39A13 (solute carrier family 39 member 13; plus strand). Cytogenetic location: 11p11.2.
Variant type: single nucleotide variant.
Coding change: c.284C>T on transcript NM_001128225.3 (MANE Select); coding-DNA position 284, C replaced by T.
Protein change: p.Thr95Ile; replaces threonine 95 with isoleucine.
Molecular consequence: missense variant. On other transcripts: non-coding transcript variant (1).
Genome position (GRCh38, 1-based): chr11:47,410,378, C>T. VCF-style: chr11-47410378-C-T. GRCh37 (hg19) VCF-style: chr11-47431929-C-T.
Other names: c.284C>T, p.Thr95Ile (NM_001330245.2, NM_152264.5); short protein forms T95I.
Identifiers: ClinVar variation 452914 (VCV000452914.10), dbSNP rs1317018795, ClinGen allele CA380309649.
Genomic context (GRCh38, chr11:47,410,378, plus strand): 5'-CCCTCATGGTGGGGCTCAGTGGGGTCTTCCCGTTGCTTGTCATTCCCCTAGAGATGGGGA[C>T]CATGCTGCGCTCAGAAGGTAGGTGACTCTCCGGTGGCGCCCAGGGCTGGCCAGGGTGTGG-3'
Protein context (NP_001121697.2, residues 85-105): PLLVIPLEMG[Thr95Ile]MLRSEAGAWR

ClinVar aggregate classification (germline): Uncertain significance. Review status: criteria provided, multiple submitters, no conflicts (2 of 4 stars). 2 submissions from 2 submitters: Uncertain significance (2). Last evaluated 2019-01-27.

Conditions:
Ehlers-Danlos syndrome, spondylodysplastic type, 3. Also called: Ehlers-Danlos syndrome, spondylocheirodysplastic type. Identifiers: Orphanet 157965, MedGen C2676510, MONDO:0012873, OMIM 612350.

Allele frequency attached by ClinVar (database versions not stated): gnomAD exomes below 0.00001; gnomAD 0.00001; TOPMed 0.00001.

Submissions (2):

Labcorp Genetics (formerly Invitae), Labcorp
Classification: Uncertain significance for Ehlers-Danlos syndrome, spondylodysplastic type, 3. Last evaluated: 2019-01-27. Review status: criteria provided, single submitter. Criteria: Invitae Variant Classification Sherloc (09022015). Collection method: clinical testing. Allele origin: germline.
Comment: In summary, the available evidence is currently insufficient to determine the role of this variant in disease. Therefore, it has been classified as a Variant of Uncertain Significance. Algorithms developed to predict the effect of missense changes on protein structure and function (SIFT, PolyPhen-2, Align-GVGD) all suggest that this variant is likely to be tolerated, but these predictions have not been confirmed by published functional studies and their clinical significance is uncertain. This variant has not been reported in the literature in individuals with SLC39A13-related conditions. ClinVar contains an entry for this variant (Variation ID: 452914). This variant is not present in population databases (ExAC no frequency). This sequence change replaces threonine with isoleucine at codon 95 of the SLC39A13 protein (p.Thr95Ile). The threonine residue is weakly conserved and there is a moderate physicochemical difference between threonine and isoleucine.

GeneDx
Classification: Uncertain significance. Last evaluated: 2017-10-24. Review status: criteria provided, single submitter. Criteria: GeneDx Variant Classification (06012015). Collection method: clinical testing. Allele origin: germline. Affected: yes.
Comment: A variant of uncertain significance has been identified in the SLC39A13 gene. The T95I variant has not been published as pathogenic or been reported as benign to our knowledge. The T95I variant is not observed at a significant frequency in large population cohorts (Lek et al., 2016). The T95I variant is a non-conservative amino acid substitution, which is likely to impact secondary protein structure as these residues differ in polarity, charge, size and/or other properties. Additionally, in silico analysis predicts this variant is probably damaging to the protein structure/function. However, this substitution occurs at a position that is not conserved across specie